The following is an entry in ClinVar:

ClinVar aggregate classification (germline): Likely benign (1 of 4 stars; one submission).

Conditions:
Cardiomyopathy (CMYO). Also called: Cardiomyopathies. Identifiers: Orphanet 167848, MedGen C0878544, MONDO:0004994, HP:0001638. Inheritance: Various modes of inheritance.

gnomAD v4.1: 1 of 1,614,238 alleles (0.000062%); no homozygotes.

Submission:

All of Us Research Program, National Institutes of Health
Classification: Likely benign for Cardiomyopathy. Last evaluated: 2023-12-18. Review status: criteria provided, single submitter. Criteria: ACMG Guidelines, 2015. Collection method: clinical testing. Allele origin: germline. Inheritance: Autosomal dominant inheritance. Observed: 1 variant allele, 1 heterozygote.
Comment: This study involves interpretation of variants in research participants for the purpose of population health screening. Participant phenotype was not available at the time of variant classification. Additional details can be found in publication PMID: 35346344, PMCID: PMC8962531

NM_000257.4(MYH7):c.4590A>C (p.Arg1530=)

Genes: MHRT (myosin heavy chain associated RNA transcript; plus strand), MYH7 (myosin heavy chain 7; minus strand). Cytogenetic location: 14q11.2.
Variant type: single nucleotide variant.
Coding change: c.4590A>C on transcript NM_000257.4 (MANE Select); coding-DNA position 4590, A replaced by C.
Protein change: p.Arg1530=; no amino-acid change (arginine 1530 retained).
Molecular consequence: synonymous variant. On other transcripts: non-coding transcript variant (1).
Genome position (GRCh38, 1-based): chr14:23,416,922, T>G on the plus strand (A>C on the coding strand, the complement: MYH7 is on the minus strand). VCF-style: chr14-23416922-T-G. GRCh37 (hg19) VCF-style: chr14-23886131-T-G.
Other names: c.4590A>C, p.Arg1530= (NM_001407004.1).
Identifiers: ClinVar variation 3075033 (VCV003075033.1), dbSNP rs768723855, ClinGen allele CA485616306.
Genomic context (GRCh38, chr14:23,416,922, plus strand): 5'-ACACACCTCGGCCTCCTCCAGGGCTGACTGCAGCTCCATCTTCTCGGCCTCCAGCTGCTT[T>G]CGGACCTTCTCCAGCTCATGGATAGTCTTTCCGCTGGAACCCAACTGCTCAGTCAAGTCG-3'
Protein context (NP_000248.2, residues 1520-1540): GKTIHELEKV[Arg1530=]KQLEAEKMEL